The following is an entry in ClinVar:

ClinVar aggregate classification (germline): Likely benign (0 of 4 stars; one submission).

Conditions:
DUOX1-related disorder. Also called: DUOX1-related condition.

Allele frequency attached by ClinVar (database versions not stated): ExAC 0.00021; ESP Exome Variant Server 0.00046; gnomAD 0.00059; TOPMed 0.00069; 1000 Genomes Project 0.00080; 1000 Genomes Project 30x 0.00094.
gnomAD v4.1: 146 of 1,614,074 alleles (0.009%); highest among the groups gnomAD compares: African/African-American, 0.17%; no homozygotes.

Submission:

PreventionGenetics, part of Exact Sciences
Classification: Likely benign for DUOX1-related condition. Last evaluated: 2022-04-18. Review status: no assertion criteria provided. Collection method: clinical testing. Allele origin: germline.
Comment: This variant is classified as likely benign based on ACMG/AMP sequence variant interpretation guidelines (Richards et al. 2015 PMID: 25741868, with internal and published modifications).

NM_175940.3(DUOX1):c.2570G>A (p.Arg857His)

Gene: DUOX1 (dual oxidase 1; plus strand). Cytogenetic location: 15q21.1.
Variant type: single nucleotide variant.
Coding change: c.2570G>A on transcript NM_175940.3 (MANE Select); coding-DNA position 2570, G replaced by A.
Protein change: p.Arg857His; replaces arginine 857 with histidine.
Molecular consequence: missense variant.
Genome position (GRCh38, 1-based): chr15:45,147,925, G>A. VCF-style: chr15-45147925-G-A. GRCh37 (hg19) VCF-style: chr15-45440123-G-A.
Other names: c.2570G>A, p.Arg857His (NM_017434.5); short protein forms R857H.
Identifiers: ClinVar variation 3057141 (VCV003057141.2), dbSNP rs140987410, ClinGen allele CA7540905.